The following is an entry in ClinVar:

NM_006506.5(RASA2):c.1824A>C (p.Glu608Asp)

Gene: RASA2 (RAS p21 protein activator 2; plus strand). Cytogenetic location: 3q23.
Variant type: single nucleotide variant.
Coding change: c.1824A>C on transcript NM_006506.5 (MANE Select); coding-DNA position 1824, A replaced by C.
Protein change: p.Glu608Asp; replaces glutamic acid 608 with aspartic acid.
Molecular consequence: missense variant.
Genome position (GRCh38, 1-based): chr3:141,586,096, A>C. VCF-style: chr3-141586096-A-C. GRCh37 (hg19) VCF-style: chr3-141304938-A-C.
Other names: c.1824A>C, p.Glu608Asp (NM_001303245.3, NM_001303246.3); short protein forms E608D.
Identifiers: ClinVar variation 2909369 (VCV002909369.3), dbSNP rs1430136992, ClinGen allele CA354781903.

ClinVar aggregate classification (germline): Uncertain significance (1 of 4 stars; one submission).

Allele frequency attached by ClinVar (database versions not stated): gnomAD 0.00001; TOPMed below 0.00001.
gnomAD v4.1: 2 of 1,598,036 alleles (0.00013%); highest among the groups gnomAD compares: African/African-American, 0.0027%; no homozygotes.

Submission:

Labcorp Genetics (formerly Invitae), Labcorp
Classification: Uncertain significance. Last evaluated: 2025-03-30. Review status: criteria provided, single submitter. Criteria: Invitae Variant Classification Sherloc (09022015). Collection method: clinical testing. Allele origin: germline.
Comment: This sequence change replaces glutamic acid, which is acidic and polar, with aspartic acid, which is acidic and polar, at codon 608 of the RASA2 protein (p.Glu608Asp). This variant is present in population databases (no rsID available, gnomAD 0.008%). This variant has not been reported in the literature in individuals affected with RASA2-related conditions. ClinVar contains an entry for this variant (Variation ID: 2909369). An algorithm developed to predict the effect of missense changes on protein structure and function (PolyPhen-2) suggests that this variant is likely to be disruptive. In summary, the available evidence is currently insufficient to determine the role of this variant in disease. Therefore, it has been classified as a Variant of Uncertain Significance.